The following is an entry in ClinVar:

NM_020207.7(ERCC6L2):c.1875T>G (p.Asp625Glu)

Gene: ERCC6L2 (ERCC excision repair 6 like 2; plus strand). Cytogenetic location: 9q22.32.
Variant type: single nucleotide variant.
Coding change: c.1875T>G on transcript NM_020207.7 (MANE Select); coding-DNA position 1875, T replaced by G.
Protein change: p.Asp625Glu; replaces aspartic acid 625 with glutamic acid.
Molecular consequence: missense variant. On other transcripts: non-coding transcript variant (1).
Genome position (GRCh38, 1-based): chr9:95,955,941, T>G. VCF-style: chr9-95955941-T-G. GRCh37 (hg19) VCF-style: chr9-98718223-T-G.
Other names: c.1875T>G, p.Asp625Glu (NM_001010895.4, NM_001375291.1, NM_001375292.1 and 2 more transcripts); short protein forms D625E.
Identifiers: ClinVar variation 3509992 (VCV003509992.1).
Genomic context (GRCh38, chr9:95,955,941, plus strand): 5'-TGATTTTTGTTTGTATTTTTAATCCTTTTACAGAGCATATAGGATTGGACAATGTAGAGA[T>G]GTCAAAGTGCTTAGGCTGATATCCTTGGGAACTGTGGAGGAAATCATGTATTTACGACAG-3'
Protein context (NP_064592.3, residues 615-635): DRAYRIGQCR[Asp625Glu]VKVLRLISLG

ClinVar aggregate classification (germline): Uncertain significance (1 of 4 stars; one submission).

Conditions:
Inborn genetic diseases. Identifiers: MedGen C0950123, MeSH D030342.

gnomAD v4.1: 1 of 1,605,686 alleles (0.000062%); highest among the groups gnomAD compares: Non-Finnish European, 0.000085%; no homozygotes.

Submission:

Ambry Genetics
Classification: Uncertain significance for Inborn genetic diseases. Last evaluated: 2024-11-26. Review status: criteria provided, single submitter. Criteria: Ambry Variant Classification Scheme 2023. Collection method: clinical testing. Allele origin: germline.
Comment: The p.D625E variant (also known as c.1875T>G), located in coding exon 13 of the ERCC6L2 gene, results from a T to G substitution at nucleotide position 1875. The aspartic acid at codon 625 is replaced by glutamic acid, an amino acid with highly similar properties. This amino acid position is conserved. In addition, the in silico prediction for this alteration is inconclusive. Based on the available evidence, the clinical significance of this variant remains unclear.